The following is an entry in ClinVar:

ClinVar aggregate classification (germline): Uncertain significance (1 of 4 stars; one submission).

gnomAD v4.1: 4 of 1,614,102 alleles (0.00025%); highest among the groups gnomAD compares: African/African-American, 0.0013%; no homozygotes.

Submission:

Labcorp Genetics (formerly Invitae), Labcorp
Classification: Uncertain significance. Last evaluated: 2025-09-22. Review status: criteria provided, single submitter. Criteria: Invitae Variant Classification Sherloc (09022015). Collection method: clinical testing. Allele origin: germline.
Comment: This sequence change replaces arginine, which is basic and polar, with serine, which is neutral and polar, at codon 1400 of the SNRNP200 protein (p.Arg1400Ser). This variant is not present in population databases (gnomAD no frequency). This variant has not been reported in the literature in individuals affected with SNRNP200-related conditions. Invitae Evidence Modeling of protein sequence and biophysical properties (such as structural, functional, and spatial information, amino acid conservation, physicochemical variation, residue mobility, and thermodynamic stability) indicates that this missense variant is not expected to disrupt SNRNP200 protein function with a negative predictive value of 95%. In summary, the available evidence is currently insufficient to determine the role of this variant in disease. Therefore, it has been classified as a Variant of Uncertain Significance.

NM_014014.5(SNRNP200):c.4200G>C (p.Arg1400Ser)

Gene: SNRNP200 (small nuclear ribonucleoprotein U5 subunit 200; minus strand). Cytogenetic location: 2q11.2.
Variant type: single nucleotide variant.
Coding change: c.4200G>C on transcript NM_014014.5 (MANE Select); coding-DNA position 4200, G replaced by C.
Protein change: p.Arg1400Ser; replaces arginine 1400 with serine.
Molecular consequence: missense variant.
Genome position (GRCh38, 1-based): chr2:96,284,550, C>G on the plus strand (G>C on the coding strand, the complement: SNRNP200 is on the minus strand). VCF-style: chr2-96284550-C-G. GRCh37 (hg19) VCF-style: chr2-96950288-C-G.
Other names: short protein forms R1400S.
Identifiers: ClinVar variation 4775282 (VCV004775282.1).
Genomic context (GRCh38, chr2:96,284,550, plus strand): 5'-GCCCAGCAGCTTCAGGTCTGTGCTGGTCTCGCCTGTCAGGAGTACCACCTTCTTGTTGAG[C>G]CTGTCCTGGAACTTCTCGTACCAGTCCATGTATACCTGGCGGGCAGAGGAGGGAGGCAGA-3'
Protein context (NP_054733.2, residues 1390-1410): YMDWYEKFQD[Arg1400Ser]LNKKVVLLTG